The following is an entry in ClinVar:

NM_003072.5(SMARCA4):c.502G>A (p.Gly168Ser)

Gene: SMARCA4 (SWI/SNF related BAF chromatin remodeling complex subunit ATPase 4; plus strand). Cytogenetic location: 19p13.2.
Variant type: single nucleotide variant.
Coding change: c.502G>A on transcript NM_003072.5 (MANE Select); coding-DNA position 502, G replaced by A.
Protein change: p.Gly168Ser; replaces glycine 168 with serine.
Molecular consequence: missense variant. On other transcripts: non-coding transcript variant (1).
Genome position (GRCh38, 1-based): chr19:10,986,335, G>A. VCF-style: chr19-10986335-G-A. GRCh37 (hg19) VCF-style: chr19-11097011-G-A.
Other names: c.502G>A, p.Gly168Ser (NM_001128846.2, NM_001128847.4, NM_001128848.2 and 6 more transcripts); short protein forms G168S.
Identifiers: ClinVar variation 3020010 (VCV003020010.3), dbSNP rs1399815647, ClinGen allele CA404056168.

ClinVar aggregate classification (germline): Uncertain significance (1 of 4 stars; one submission).

Conditions:
Rhabdoid tumor predisposition syndrome 2 (RTPS2). Identifiers: Orphanet 231108, Orphanet 69077, MedGen C2750074, MONDO:0013224, OMIM 613325.

Allele frequency attached by ClinVar (database versions not stated): TOPMed 0.00001.

Submission:

Labcorp Genetics (formerly Invitae), Labcorp
Classification: Uncertain significance for Rhabdoid tumor predisposition syndrome 2. Last evaluated: 2024-01-07. Review status: criteria provided, single submitter. Criteria: Invitae Variant Classification Sherloc (09022015). Collection method: clinical testing. Allele origin: germline.
Comment: This sequence change replaces glycine, which is neutral and non-polar, with serine, which is neutral and polar, at codon 168 of the SMARCA4 protein (p.Gly168Ser). This variant is not present in population databases (gnomAD no frequency). This variant has not been reported in the literature in individuals affected with SMARCA4-related conditions. Advanced modeling of protein sequence and biophysical properties (such as structural, functional, and spatial information, amino acid conservation, physicochemical variation, residue mobility, and thermodynamic stability) performed at Invitae indicates that this missense variant is not expected to disrupt SMARCA4 protein function with a negative predictive value of 95%. In summary, the available evidence is currently insufficient to determine the role of this variant in disease. Therefore, it has been classified as a Variant of Uncertain Significance.